The following is an entry in ClinVar:

NM_020461.4(TUBGCP6):c.4312A>G (p.Met1438Val)

Gene: TUBGCP6 (tubulin gamma complex component 6; minus strand). Cytogenetic location: 22q13.33.
Variant type: single nucleotide variant.
Coding change: c.4312A>G on transcript NM_020461.4 (MANE Select); coding-DNA position 4312, A replaced by G.
Protein change: p.Met1438Val; replaces methionine 1438 with valine.
Molecular consequence: missense variant.
Genome position (GRCh38, 1-based): chr22:50,219,647, T>C on the plus strand (A>G on the coding strand, the complement: TUBGCP6 is on the minus strand). VCF-style: chr22-50219647-T-C. GRCh37 (hg19) VCF-style: chr22-50658076-T-C.
Other names: c.4312A>G (NM_020461.3); short protein forms M1438V.
Identifiers: ClinVar variation 999849 (VCV000999849.8), dbSNP rs774883189, ClinGen allele CA10307588.

ClinVar aggregate classification (germline): Uncertain significance. Review status: criteria provided, multiple submitters, no conflicts (2 of 4 stars). 2 submissions from 2 submitters: Uncertain significance (2). Last evaluated 2024-10-25.

Conditions:
Inborn genetic diseases. Identifiers: MedGen C0950123, MeSH D030342.

Allele frequency attached by ClinVar (database versions not stated): gnomAD exomes below 0.00001; TOPMed below 0.00001; ExAC 0.00001.

Submissions (2):

Ambry Genetics
Classification: Uncertain significance for Inborn genetic diseases. Last evaluated: 2024-10-25. Review status: criteria provided, single submitter. Criteria: Ambry Variant Classification Scheme 2023. Collection method: clinical testing. Allele origin: germline.

Labcorp Genetics (formerly Invitae), Labcorp
Classification: Uncertain significance. Last evaluated: 2022-08-09. Review status: criteria provided, single submitter. Criteria: Invitae Variant Classification Sherloc (09022015). Collection method: clinical testing. Allele origin: germline.
Comment: This sequence change replaces methionine, which is neutral and non-polar, with valine, which is neutral and non-polar, at codon 1438 of the TUBGCP6 protein (p.Met1438Val). This variant is present in population databases (rs774883189, gnomAD 0.0009%). This variant has not been reported in the literature in individuals affected with TUBGCP6-related conditions. ClinVar contains an entry for this variant (Variation ID: 999849). Algorithms developed to predict the effect of missense changes on protein structure and function are either unavailable or do not agree on the potential impact of this missense change (SIFT: "Deleterious"; PolyPhen-2: "Probably Damaging"; Align-GVGD: "Class C0"). Algorithms developed to predict the effect of sequence changes on RNA splicing suggest that this variant may create or strengthen a splice site. In summary, the available evidence is currently insufficient to determine the role of this variant in disease. Therefore, it has been classified as a Variant of Uncertain Significance.